The following is an entry in ClinVar:

ClinVar aggregate classification (germline): Pathogenic (1 of 4 stars; one submission).

Conditions:
Nemaline myopathy 2 (NEM2). Also called: Nemaline myopathy 2, autosomal recessive. Identifiers: MedGen C1850569, MONDO:0009725, OMIM 256030.

Submission:

Labcorp Genetics (formerly Invitae), Labcorp
Classification: Pathogenic for Nemaline myopathy 2. Last evaluated: 2022-03-12. Review status: criteria provided, single submitter. Criteria: Invitae Variant Classification Sherloc (09022015). Collection method: clinical testing. Allele origin: germline.
Comment: For these reasons, this variant has been classified as Pathogenic. This sequence change creates a premature translational stop signal (p.Arg6816Alafs*8) in the NEB gene. It is expected to result in an absent or disrupted protein product. Loss-of-function variants in NEB are known to be pathogenic (PMID: 25205138). This variant is not present in population databases (gnomAD no frequency). This variant has not been reported in the literature in individuals affected with NEB-related conditions.

Literature cited by the submitters: PubMed 25205138.

NM_001164508.2(NEB):c.20446_20447del (p.Arg6816fs)

Gene: NEB (nebulin; minus strand). Cytogenetic location: 2q23.3.
Variant type: Deletion.
Coding change: c.20446_20447del on transcript NM_001164508.2 (MANE Select); coding-DNA positions 20446 to 20447, 2 bases deleted (CG; older notation c.20446_20447delCG).
Protein change: p.Arg6816fs; shifts the reading frame from arginine 6816.
Molecular consequence: frameshift variant.
Genome position (GRCh38, 1-based): chr2:151,546,364-151,546,365, CG deleted on the plus strand (CG on the coding strand, the reverse complement: NEB is on the minus strand). VCF-style (leftmost placement, unchanged base first): chr2-151546363-CCG-C. GRCh37 (hg19) VCF-style: chr2-152402877-CCG-C.
Other names: c.20446_20447del, p.Arg6816fs (NM_001164507.2, NM_001271208.2); c.15343_15344del, p.Arg5115fs (NM_004543.5); short protein forms R5115fs, R6816fs.
Identifiers: ClinVar variation 2109966 (VCV002109966.4), dbSNP rs2552174346, ClinGen allele CA2580064008.
Genomic context (GRCh38, chr2:151,546,363, plus strand): 5'-CTGTGCGGGGGGTAATTATGCATTGTGATGATGTGCACTCACCCAGAGCTTCCGCAGGTG[CCG>C]GGAGCGGACCATGTCAGGAGTGTCATACAGGAAGCAGCCAAATCCCTTCAGGACCTGCAA-3'